The following is an entry in ClinVar:

ClinVar aggregate classification (germline): Uncertain significance (1 of 4 stars; one submission).

Conditions:
TNF receptor-associated periodic fever syndrome (TRAPS) (FPF). Also called: TNF RECEPTOR-ASSOCIATED PERIODIC SYNDROME; TUMOR NECROSIS FACTOR RECEPTOR-ASSOCIATED PERIODIC SYNDROME; Autosomal Dominant Familial Periodic Fever; TNF Receptor-Associated Periodic Fever Syndrome; TNF receptor 1-associated periodic fever syndrome; FAMILIAL HIBERNIAN FEVER. Identifiers: Orphanet 32960, MedGen C1275126, MONDO:0007727, OMIM 142680.

Allele frequency attached by ClinVar (database versions not stated): TOPMed below 0.00001; gnomAD 0.00001; ExAC 0.00002; gnomAD exomes below 0.00001.

Submission:

Labcorp Genetics (formerly Invitae), Labcorp
Classification: Uncertain significance for TNF receptor-associated periodic fever syndrome (TRAPS). Last evaluated: 2024-12-23. Review status: criteria provided, single submitter. Criteria: Invitae Variant Classification Sherloc (09022015). Collection method: clinical testing. Allele origin: germline.
Comment: This sequence change replaces phenylalanine, which is neutral and non-polar, with leucine, which is neutral and non-polar, at codon 285 of the TNFRSF1A protein (p.Phe285Leu). This variant is present in population databases (rs760573195, gnomAD 0.002%). This variant has not been reported in the literature in individuals affected with TNFRSF1A-related conditions. ClinVar contains an entry for this variant (Variation ID: 1347186). An algorithm developed to predict the effect of missense changes on protein structure and function outputs the following: PolyPhen-2: "Benign". The leucine amino acid residue is found in multiple mammalian species, which suggests that this missense change does not adversely affect protein function. In summary, the available evidence is currently insufficient to determine the role of this variant in disease. Therefore, it has been classified as a Variant of Uncertain Significance.

NM_001065.4(TNFRSF1A):c.855C>G (p.Phe285Leu)

Gene: TNFRSF1A (TNF receptor superfamily member 1A; minus strand). Cytogenetic location: 12p13.31.
Variant type: single nucleotide variant.
Coding change: c.855C>G on transcript NM_001065.4 (MANE Select); coding-DNA position 855, C replaced by G.
Protein change: p.Phe285Leu; replaces phenylalanine 285 with leucine.
Molecular consequence: missense variant. On other transcripts: non-coding transcript variant (1).
Genome position (GRCh38, 1-based): chr12:6,329,980, G>C on the plus strand (C>G on the coding strand, the complement: TNFRSF1A is on the minus strand). VCF-style: chr12-6329980-G-C. GRCh37 (hg19) VCF-style: chr12-6439146-G-C.
Other names: c.531C>G, p.Phe177Leu (NM_001346091.2); c.396C>G, p.Phe132Leu (NM_001346092.2); short protein forms F285L, F132L, F177L.
Identifiers: ClinVar variation 1347186 (VCV001347186.8), dbSNP rs760573195, ClinGen allele CA6405340.